The following is an entry in ClinVar:

NM_001127511.3(APC):c.-107G>C

Gene: APC (APC regulator of Wnt signaling pathway; plus strand). Cytogenetic location: 5q22.2.
Variant type: single nucleotide variant.
Coding change: c.-107G>C on transcript NM_001127511.3; 107 bases upstream of the start codon, G replaced by C.
Molecular consequence: 5 prime UTR variant. On other transcripts: non-coding transcript variant (2).
Genome position (GRCh38, 1-based): chr5:112,707,611, G>C. VCF-style: chr5-112707611-G-C. GRCh37 (hg19) VCF-style: chr5-112043308-G-C.
Other names: c.-290G>C (NM_001354895.2, NM_001407447.1, NM_001407452.1 and 3 more transcripts); c.-107G>C (NM_001354897.2, NM_001354902.2, NM_001407446.1); c.-57G>C (NM_001407448.1, NM_001407450.1, NM_001407457.1 and 1 more transcripts); c.-81G>C (NM_001407453.1); c.-1325G>C (NM_001407470.1, NM_001407472.1).
Identifiers: ClinVar variation 4780474 (VCV004780474.1).

ClinVar aggregate classification (germline): Uncertain significance (1 of 4 stars; one submission).

Conditions:
Familial adenomatous polyposis 1 (FAP1). Also called: POLYPOSIS, ADENOMATOUS INTESTINAL; FAMILIAL ADENOMATOUS POLYPOSIS 1, ATTENUATED. Identifiers: MedGen C2713442, MONDO:0021056, OMIM 175100. Disease mechanism: loss of function.

gnomAD v4.1: 2 of 1,225,798 alleles (0.00016%); highest among the groups gnomAD compares: South Asian, 0.0013%; no homozygotes.

Submission:

Labcorp Genetics (formerly Invitae), Labcorp
Classification: Uncertain significance for Familial adenomatous polyposis 1. Last evaluated: 2025-10-13. Review status: criteria provided, single submitter. Criteria: Invitae Variant Classification Sherloc (09022015). Collection method: clinical testing. Allele origin: germline.
Comment: This variant occurs in a non-coding region of the APC gene. It does not change the encoded amino acid sequence of the APC protein. This variant is not present in population databases (gnomAD no frequency). This variant has not been reported in the literature in individuals affected with APC-related conditions. Experimental studies and prediction algorithms are not available or were not evaluated, and the functional significance of this variant is currently unknown. Experimental studies and prediction algorithms are not available or were not evaluated, and the effect of this variant on mRNA splicing is currently unknown. In summary, the available evidence is currently insufficient to determine the role of this variant in disease. Therefore, it has been classified as a Variant of Uncertain Significance.